The following is an entry in ClinVar:

ClinVar aggregate classification (germline): Uncertain significance. Review status: criteria provided, multiple submitters, no conflicts (2 of 4 stars). 2 submissions from 2 submitters: Uncertain significance (2). Last evaluated 2025-02-03.

Conditions:
Inborn genetic diseases. Identifiers: MedGen C0950123, MeSH D030342.
Baller-Gerold syndrome (BGS). Also called: CRANIOSYNOSTOSIS WITH RADIAL DEFECTS. Identifiers: Orphanet 1225, MedGen C0265308, MONDO:0009039, OMIM 218600.

Allele frequency attached by ClinVar (database versions not stated): gnomAD 0.00001.

Submissions (2):

Ambry Genetics
Classification: Uncertain significance for Inborn genetic diseases. Last evaluated: 2025-02-03. Review status: criteria provided, single submitter. Criteria: Ambry Variant Classification Scheme 2023. Collection method: clinical testing. Allele origin: germline.
Comment: The p.R43P variant (also known as c.128G>C), located in coding exon 3 of the RECQL4 gene, results from a G to C substitution at nucleotide position 128. The arginine at codon 43 is replaced by proline, an amino acid with dissimilar properties. This amino acid position is conserved. In addition, the in silico prediction for this alteration is inconclusive. Based on the available evidence, the clinical significance of this variant remains unclear.

Labcorp Genetics (formerly Invitae), Labcorp
Classification: Uncertain significance for Baller-Gerold syndrome. Last evaluated: 2024-10-09. Review status: criteria provided, single submitter. Criteria: Invitae Variant Classification Sherloc (09022015). Collection method: clinical testing. Allele origin: germline.
Comment: This sequence change replaces arginine, which is basic and polar, with proline, which is neutral and non-polar, at codon 43 of the RECQL4 protein (p.Arg43Pro). This variant is not present in population databases (gnomAD no frequency). This variant has not been reported in the literature in individuals affected with RECQL4-related conditions. ClinVar contains an entry for this variant (Variation ID: 1433139). Experimental studies and prediction algorithms are not available or were not evaluated, and the functional significance of this variant is currently unknown. In summary, the available evidence is currently insufficient to determine the role of this variant in disease. Therefore, it has been classified as a Variant of Uncertain Significance.

NM_004260.4(RECQL4):c.128G>C (p.Arg43Pro)

Genes: RECQL4 (RecQ like helicase 4; minus strand), LOC130001411 (ATAC-STARR-seq lymphoblastoid silent region 19699; plus strand). Cytogenetic location: 8q24.3.
Variant type: single nucleotide variant.
Coding change: c.128G>C on transcript NM_004260.4 (MANE Select); coding-DNA position 128, G replaced by C.
Protein change: p.Arg43Pro; replaces arginine 43 with proline.
Molecular consequence: missense variant.
Genome position (GRCh38, 1-based): chr8:144,517,499, C>G on the plus strand (G>C on the coding strand, the complement: RECQL4 is on the minus strand). VCF-style: chr8-144517499-C-G. GRCh37 (hg19) VCF-style: chr8-145742883-C-G.
Other names: c.128G>C (NM_004260.3); short protein forms R43P.
Identifiers: ClinVar variation 1433139 (VCV001433139.7), dbSNP rs1169021603, ClinGen allele CA372692777.